The following is an entry in ClinVar:

NM_005751.5(AKAP9):c.5486G>A (p.Gly1829Asp)

Gene: AKAP9 (A-kinase anchoring protein 9; plus strand). Cytogenetic location: 7q21.2.
Variant type: single nucleotide variant.
Coding change: c.5486G>A on transcript NM_005751.5 (MANE Select); coding-DNA position 5486, G replaced by A.
Protein change: p.Gly1829Asp; replaces glycine 1829 with aspartic acid.
Molecular consequence: missense variant.
Genome position (GRCh38, 1-based): chr7:92,052,843, G>A. VCF-style: chr7-92052843-G-A. GRCh37 (hg19) VCF-style: chr7-91682157-G-A.
Other names: c.5486G>A, p.Gly1829Asp (NM_147185.3); short protein forms G1829D.
Identifiers: ClinVar variation 1747822 (VCV001747822.6), dbSNP rs1808213425, ClinGen allele CA368131171.

ClinVar aggregate classification (germline): Uncertain significance. Review status: criteria provided, multiple submitters, no conflicts (2 of 4 stars). 2 submissions from 2 submitters: Uncertain significance (2). Last evaluated 2025-01-18.

Conditions:
Cardiovascular phenotype. Identifiers: MedGen CN230736.
Long QT syndrome (LQTS). Identifiers: MedGen C0023976, MeSH D008133, MONDO:0002442. Disease mechanism: loss of function. Inheritance: Various modes of inheritance.

Allele frequency attached by ClinVar (database versions not stated): gnomAD exomes below 0.00001; TOPMed below 0.00001; gnomAD 0.00001.
gnomAD v4.1: 2 of 1,613,692 alleles (0.00012%); highest among the groups gnomAD compares: African/African-American, 0.0013%; no homozygotes.

Submissions (2):

Ambry Genetics
Classification: Uncertain significance for Cardiovascular phenotype. Last evaluated: 2025-01-18. Review status: criteria provided, single submitter. Criteria: Ambry Variant Classification Scheme 2023. Collection method: clinical testing. Allele origin: germline.

Labcorp Genetics (formerly Invitae), Labcorp
Classification: Uncertain significance for Long QT syndrome. Last evaluated: 2023-01-23. Review status: criteria provided, single submitter. Criteria: Invitae Variant Classification Sherloc (09022015). Collection method: clinical testing. Allele origin: germline.
Comment: In summary, the available evidence is currently insufficient to determine the role of this variant in disease. Therefore, it has been classified as a Variant of Uncertain Significance. Algorithms developed to predict the effect of missense changes on protein structure and function are either unavailable or do not agree on the potential impact of this missense change (SIFT: "Tolerated"; PolyPhen-2: "Probably Damaging"; Align-GVGD: "Class C0"). ClinVar contains an entry for this variant (Variation ID: 1747822). This variant has not been reported in the literature in individuals affected with AKAP9-related conditions. This variant is not present in population databases (gnomAD no frequency). This sequence change replaces glycine, which is neutral and non-polar, with aspartic acid, which is acidic and polar, at codon 1829 of the AKAP9 protein (p.Gly1829Asp).